The following is an entry in ClinVar:

ClinVar aggregate classification (germline): Likely benign. Review status: criteria provided, multiple submitters, no conflicts (2 of 4 stars). 4 submissions from 4 submitters: Likely benign (4). Last evaluated 2025-10-02.

Conditions:
Inborn genetic diseases. Identifiers: MedGen C0950123, MeSH D030342.
Landau-Kleffner syndrome (FESD). Also called: EPILEPSY, FOCAL, WITH SPEECH DISORDER AND WITH OR WITHOUT MENTAL RETARDATION; APHASIA, ACQUIRED, WITH EPILEPSY. Identifiers: Orphanet 1945, Orphanet 725, Orphanet 98818, MedGen C0282512, MONDO:0009509, OMIM 245570.

Allele frequency attached by ClinVar (database versions not stated): gnomAD exomes 0.00007; gnomAD 0.00006 and 0.00008; ExAC 0.00007; TOPMed 0.00010.
gnomAD v4.1: 86 of 1,613,952 alleles (0.0053%); highest among the groups gnomAD compares: Middle Eastern, 0.049%; 2 homozygotes.

Submissions (4):

Labcorp Genetics (formerly Invitae), Labcorp
Classification: Likely benign for Landau-Kleffner syndrome. Last evaluated: 2025-10-02. Review status: criteria provided, single submitter. Criteria: Invitae Variant Classification Sherloc (09022015). Collection method: clinical testing. Allele origin: germline.

Blueprint Genetics
Classification: Likely benign. Last evaluated: 2024-11-18. Review status: criteria provided, single submitter. Criteria: ACMG Guidelines, 2015. Collection method: clinical testing. Allele origin: germline.

GeneDx
Classification: Likely benign. Last evaluated: 2019-10-25. Review status: criteria provided, single submitter. Criteria: GeneDx Variant Classification Process June 2021. Collection method: clinical testing. Allele origin: germline. Affected: yes.
Comment: In silico analysis, which includes protein predictors and evolutionary conservation, supports that this variant does not alter protein structure/function; Has not been previously published as pathogenic or benign to our knowledge

Ambry Genetics
Classification: Likely benign for Inborn genetic diseases. Last evaluated: 2017-09-18. Review status: criteria provided, single submitter. Criteria: Ambry Variant Classification Scheme 2023. Collection method: clinical testing. Allele origin: germline.

NM_001134407.3(GRIN2A):c.559G>A (p.Val187Ile)

Gene: GRIN2A (glutamate ionotropic receptor NMDA type subunit 2A; minus strand). Cytogenetic location: 16p13.2.
Variant type: single nucleotide variant.
Coding change: c.559G>A on transcript NM_001134407.3 (MANE Select); coding-DNA position 559, G replaced by A.
Protein change: p.Val187Ile; replaces valine 187 with isoleucine.
Molecular consequence: missense variant.
Genome position (GRCh38, 1-based): chr16:9,938,407, C>T on the plus strand (G>A on the coding strand, the complement: GRIN2A is on the minus strand). VCF-style: chr16-9938407-C-T. GRCh37 (hg19) VCF-style: chr16-10032264-C-T.
Other names: c.559G>A, p.Val187Ile (NM_000833.5, NM_001134408.2); short protein forms V187I.
Identifiers: ClinVar variation 521380 (VCV000521380.17), dbSNP rs751692867, ClinGen allele CA7896930.